The following is an entry in ClinVar:

NM_033056.4(PCDH15):c.4657dup (p.Ser1553fs)

Gene: PCDH15 (protocadherin related 15; minus strand). Cytogenetic location: 10q21.1.
Variant type: Duplication.
Coding change: c.4657dup on transcript NM_033056.4 (MANE Plus Clinical); coding-DNA position 4657, one base duplicated (T; older notation c.4657dupT).
Protein change: p.Ser1553fs; shifts the reading frame from serine 1553.
Molecular consequence: frameshift variant. On other transcripts: intron variant (8).
Genome position (GRCh38, 1-based): chr10:53,823,069, A duplicated on the plus strand (T on the coding strand, the reverse complement: PCDH15 is on the minus strand); the first of 4 consecutive A bases (chr10:53,823,069-53,823,072); duplicating any one gives the same sequence. VCF-style (leftmost placement, unchanged base first): chr10-53823068-G-GA. GRCh37 (hg19) VCF-style: chr10-55582828-G-GA.
Other names: c.4678dup, p.Ser1560fs (NM_001142763.2); c.4663dup, p.Ser1555fs (NM_001142764.2); c.4450dup, p.Ser1484fs (NM_001142765.2); c.4648dup, p.Ser1550fs (NM_001142766.2); c.4537dup, p.Ser1513fs (NM_001142767.2); c.4597dup, p.Ser1533fs (NM_001142768.2); c.4588dup, p.Ser1530fs (NM_001142773.2); c.4591dup, p.Ser1531fs (NM_001354404.2); and 6 more; short protein forms S1484fs, S1513fs, S1560fs, S1533fs, S1550fs, S1553fs, S1530fs, S1531fs.
Identifiers: ClinVar variation 4772542 (VCV004772542.1).
Genomic context (GRCh38, chr10:53,823,068, plus strand): 5'-AGCCTCTGAATCTTTTCTCTTGGGCCCCTCAGAGACTTACTCTTGGCTTGTATTTTGGGT[G>GA]AAAATGGGTCTACAAAATCTGTTCTCTGTGAAATGTCTGAATTTGTTGATACTTGACTTA-3'

ClinVar aggregate classification (germline): Pathogenic (1 of 4 stars; one submission).

Submission:

Labcorp Genetics (formerly Invitae), Labcorp
Classification: Pathogenic. Last evaluated: 2026-01-17. Review status: criteria provided, single submitter. Criteria: Invitae Variant Classification Sherloc (09022015). Collection method: clinical testing. Allele origin: germline.
Comment: This sequence change creates a premature translational stop signal (p.Ser1553Phefs*9) in the PCDH15 gene. While this is not anticipated to result in nonsense mediated decay, it is expected to disrupt the last 403 amino acid(s) of the PCDH15 protein. This variant is not present in population databases (gnomAD no frequency). This variant has not been reported in the literature in individuals affected with PCDH15-related conditions. This variant disrupts a region of the PCDH15 protein in which other variant(s) (p.Val1578Alafs*6) have been determined to be pathogenic (PMID: 33089500). This suggests that this is a clinically significant region of the protein, and that variants that disrupt it are likely to be disease-causing. For these reasons, this variant has been classified as Pathogenic.

Literature cited by the submitters: PubMed 33089500.